The following is an entry in ClinVar:

NM_001909.5(CTSD):c.133G>A (p.Asp45Asn)

Genes: PRADX (PRC2 and DDX5 associated lncRNA; plus strand), CTSD (cathepsin D; minus strand). Cytogenetic location: 11p15.5.
Variant type: single nucleotide variant.
Coding change: c.133G>A on transcript NM_001909.5 (MANE Select); coding-DNA position 133, G replaced by A.
Protein change: p.Asp45Asn; replaces aspartic acid 45 with asparagine.
Molecular consequence: missense variant.
Genome position (GRCh38, 1-based): chr11:1,761,404, C>T on the plus strand (G>A on the coding strand, the complement: CTSD is on the minus strand). VCF-style: chr11-1761404-C-T. GRCh37 (hg19) VCF-style: chr11-1782634-C-T.
Other names: short protein forms D45N.
Identifiers: ClinVar variation 1442318 (VCV001442318.5), dbSNP rs1845875103, ClinGen allele CA379099826.

ClinVar aggregate classification (germline): Uncertain significance. Review status: criteria provided, multiple submitters, no conflicts (2 of 4 stars). 2 submissions from 2 submitters: Uncertain significance (2). Last evaluated 2022-07-19.

Conditions:
Inborn genetic diseases. Identifiers: MedGen C0950123, MeSH D030342.
Neuronal ceroid lipofuscinosis. Also called: Neuronal Ceroid Lipofuscinoses. Identifiers: Orphanet 216, Orphanet 79263, MedGen C0027877, MONDO:0016295. Disease mechanism: loss of function.

Allele frequency attached by ClinVar (database versions not stated): TOPMed below 0.00001.

Submissions (2):

Labcorp Genetics (formerly Invitae), Labcorp
Classification: Uncertain significance for Neuronal ceroid lipofuscinosis. Last evaluated: 2022-07-19. Review status: criteria provided, single submitter. Criteria: Invitae Variant Classification Sherloc (09022015). Collection method: clinical testing. Allele origin: germline.
Comment: This sequence change replaces aspartic acid, which is acidic and polar, with asparagine, which is neutral and polar, at codon 45 of the CTSD protein (p.Asp45Asn). This variant is not present in population databases (gnomAD no frequency). This variant has not been reported in the literature in individuals affected with CTSD-related conditions. ClinVar contains an entry for this variant (Variation ID: 1442318). Algorithms developed to predict the effect of missense changes on protein structure and function output the following: SIFT: "Deleterious"; PolyPhen-2: "Benign"; Align-GVGD: "Class C0". The asparagine amino acid residue is found in multiple mammalian species, which suggests that this missense change does not adversely affect protein function. In summary, the available evidence is currently insufficient to determine the role of this variant in disease. Therefore, it has been classified as a Variant of Uncertain Significance.

Ambry Genetics
Classification: Uncertain significance for Inborn genetic diseases. Last evaluated: 2018-07-10. Review status: criteria provided, single submitter. Criteria: Ambry Variant Classification Scheme 2023. Collection method: clinical testing. Allele origin: germline.
Comment: The p.D45N variant (also known as c.133G>A), located in coding exon 2 of the CTSD gene, results from a G to A substitution at nucleotide position 133. The aspartic acid at codon 45 is replaced by asparagine, an amino acid with highly similar properties. This amino acid position is not well conserved in available vertebrate species. In addition, this alteration is predicted to be tolerated by in silico analysis. Since supporting evidence is limited at this time, the clinical significance of this alteration remains unclear.